The following is an entry in ClinVar:

ClinVar aggregate classification (germline): Likely benign (1 of 4 stars; one submission).

Allele frequency attached by ClinVar (database versions not stated): gnomAD exomes below 0.00001.
gnomAD v4.1: 5 of 1,592,748 alleles (0.00031%); highest among the groups gnomAD compares: Middle Eastern, 0.06%; no homozygotes.

Submission:

CeGaT Center for Human Genetics Tuebingen
Classification: Likely benign. Last evaluated: 2022-09-01. Review status: criteria provided, single submitter. Criteria: CeGaT Center For Human Genetics Tuebingen Variant Classification Criteria Version 2. Collection method: clinical testing. Allele origin: germline. Affected: yes. Observed: 2 variant alleles.
Comment: AHDC1: PM2:Supporting, BP4, BP7

NM_001371928.1(AHDC1):c.4374C>T (p.Ser1458=)

Gene: AHDC1 (AT-hook DNA binding motif containing 1; minus strand). Cytogenetic location: 1p36.11.
Variant type: single nucleotide variant.
Coding change: c.4374C>T on transcript NM_001371928.1 (MANE Select); coding-DNA position 4374, C replaced by T.
Protein change: p.Ser1458=; no amino-acid change (serine 1458 retained).
Molecular consequence: synonymous variant.
Genome position (GRCh38, 1-based): chr1:27,547,742, G>A on the plus strand (C>T on the coding strand, the complement: AHDC1 is on the minus strand). VCF-style: chr1-27547742-G-A. GRCh37 (hg19) VCF-style: chr1-27874253-G-A.
Other names: c.4374C>T, p.Ser1458= (NM_001029882.3); c.330C>T, p.Ser110= (NM_015699.1).
Identifiers: ClinVar variation 2638562 (VCV002638562.24), dbSNP rs1222986671, ClinGen allele CA416977460.